The following is an entry in ClinVar:

ClinVar aggregate classification (germline): Uncertain significance (1 of 4 stars; one submission).

Submission:

GeneDx
Classification: Uncertain significance. Last evaluated: 2019-11-12. Review status: criteria provided, single submitter. Criteria: GeneDx Variant Classification Process June 2021. Collection method: clinical testing. Allele origin: germline. Affected: yes.
Comment: Not observed in large population cohorts (Lek et al., 2016); In-frame insertion of 1 amino acid in a non-repeat region; Has not been previously published as pathogenic or benign to our knowledge

NM_003482.3(KMT2D):c.13672_13674dup

Gene: KMT2D (lysine methyltransferase 2D; minus strand). Cytogenetic location: 12q13.12.
Variant type: Duplication.
Coding change: c.13672_13674dup on transcript NM_003482.3; coding-DNA positions 13672 to 13674, 3 bases duplicated (GAG; older notation c.13672_13674dupGAG).
Genome position (GRCh38, 1-based): chr12:49,030,766-49,030,768, CTC duplicated on the plus strand (GAG on the coding strand, the reverse complement: KMT2D is on the minus strand); duplicating any 3 consecutive bases within chr12:49,030,766-49,030,770 gives the same sequence; the c. name uses the placement nearest the transcript's 3' end. VCF-style (leftmost placement, unchanged base first): chr12-49030765-G-GCTC. GRCh37 (hg19) VCF-style: chr12-49424548-G-GCTC.
Identifiers: ClinVar variation 1310385 (VCV001310385.4), dbSNP rs938922279, ClinGen allele CA236637871.